The following is an entry in ClinVar:

ClinVar aggregate classification (germline): Benign (1 of 4 stars; one submission).

Conditions:
Familial cancer of breast. Also called: Hereditary breast cancer; BREAST CANCER, FAMILIAL; hereditary breast carcinoma. Identifiers: Orphanet 227535, MedGen C0346153, MONDO:0016419, OMIM 114480. Disease mechanism: loss of function.

Submission:

Myriad Genetics, Inc.
Classification: Benign for Familial cancer of breast. Last evaluated: 2024-10-03. Review status: criteria provided, single submitter. Criteria: Myriad Autosomal Dominant, Autosomal Recessive and X-Linked Classification Criteria (2023). Collection method: clinical testing. Allele origin: unknown.
Comment: This variant is considered benign. This variant is intronic and is not expected to impact mRNA splicing.

NM_007194.4(CHEK2):c.592+11T>C

Gene: CHEK2 (checkpoint kinase 2; minus strand). Cytogenetic location: 22q12.1.
Variant type: single nucleotide variant.
Coding change: c.592+11T>C on transcript NM_007194.4 (MANE Select); 11 bases into the intron after coding-DNA position 592, T replaced by C.
Molecular consequence: intron variant.
Genome position (GRCh38, 1-based): chr22:28,724,966, A>G on the plus strand (T>C on the coding strand, the complement: CHEK2 is on the minus strand). VCF-style: chr22-28724966-A-G. GRCh37 (hg19) VCF-style: chr22-29120954-A-G.
Other names: c.-72+11T>C (NM_001437942.1); c.445-43T>C (NM_001349956.3); c.592+11T>C (NM_145862.3); c.-186+11T>C (NM_001257387.3); c.685+11T>C (NM_001438295.1, NM_001438293.1); c.721+11T>C (NM_001438294.1, NM_001005735.3).
Identifiers: ClinVar variation 3772835 (VCV003772835.1).
Genomic context (GRCh38, chr22:28,724,966, plus strand): 5'-ACAGGACAAATTTTCCTCCTATGAGAGAGTGGAAAAAAAAAATTCCAGTAACCATAAGAT[A>G]ATAATATTACCTTTATTTCTGCTTAGTGACAGTGCAATTTCAGAATTGTTATTCAAAGGA-3'